The following is an entry in ClinVar:

NM_001267550.2(TTN):c.16339C>A (p.Gln5447Lys)

Gene: TTN (titin; minus strand). Cytogenetic location: 2q31.2.
Variant type: single nucleotide variant.
Coding change: c.16339C>A on transcript NM_001267550.2 (MANE Select); coding-DNA position 16339, C replaced by A.
Protein change: p.Gln5447Lys; replaces glutamine 5447 with lysine.
Molecular consequence: missense variant. On other transcripts: intron variant (3).
Genome position (GRCh38, 1-based): chr2:178,732,837, G>T on the plus strand (C>A on the coding strand, the complement: TTN is on the minus strand). VCF-style: chr2-178732837-G-T. GRCh37 (hg19) VCF-style: chr2-179597564-G-T.
Other names: c.15388C>A, p.Gln5130Lys (NM_001256850.1); c.12607C>A, p.Gln4203Lys (NM_133378.4); c.13282+5245C>A (NM_003319.4); c.13858+5245C>A (NM_133437.4); c.13657+5245C>A (NM_133432.3); short protein forms Q5130K, Q5447K, Q4203K.
Identifiers: ClinVar variation 513344 (VCV000513344.1), dbSNP rs1390008275, ClinGen allele CA349585687.

ClinVar aggregate classification (germline): Likely benign (1 of 4 stars; one submission).

Allele frequency attached by ClinVar (database versions not stated): gnomAD exomes below 0.00001.
gnomAD v4.1: 1 of 1,607,776 alleles (0.000062%); highest among the groups gnomAD compares: East Asian, 0.0022%; no homozygotes.

Submission:

GeneDx
Classification: Likely benign. Last evaluated: 2017-11-14. Review status: criteria provided, single submitter. Criteria: GeneDx Variant Classification (06012015). Collection method: clinical testing. Allele origin: germline. Affected: yes.
Comment: This variant is considered likely benign or benign based on one or more of the following criteria: it is a conservative change, it occurs at a poorly conserved position in the protein, it is predicted to be benign by multiple in silico algorithms, and/or has population frequency not consistent with disease.